The following is an entry in ClinVar:

ClinVar aggregate classification (germline): Conflicting classifications of pathogenicity. Review status: criteria provided, conflicting classifications (1 of 4 stars). 5 submissions from 5 submitters: Uncertain significance (4); Likely benign (1). Last evaluated 2026-01-11.

Conditions:
BAP1-related tumor predisposition syndrome (TPDS1). Also called: Tumor susceptibility linked to germline BAP1 mutations; BAP1 tumor predisposition syndrome; TUMOR PREDISPOSITION SYNDROME 1; COMMON Syndrome. Identifiers: Orphanet 289539, MedGen C3280492, MONDO:0013692, OMIM 614327.
Hereditary cancer-predisposing syndrome. Also called: Neoplastic Syndromes, Hereditary; Tumor predisposition; Hereditary neoplastic syndrome; Hereditary Cancer Syndrome. Identifiers: Orphanet 140162, MedGen C0027672, MeSH D009386, MONDO:0015356.

Allele frequency attached by ClinVar (database versions not stated): gnomAD 0.00001.
gnomAD v4.1: 6 of 1,614,072 alleles (0.00037%); highest among the groups gnomAD compares: Non-Finnish European, 0.00051%; no homozygotes.

Submissions (5):

Labcorp Genetics (formerly Invitae), Labcorp
Classification: Uncertain significance for BAP1-related tumor predisposition syndrome. Last evaluated: 2026-01-11. Review status: criteria provided, single submitter. Criteria: Invitae Variant Classification Sherloc (09022015). Collection method: clinical testing. Allele origin: germline.
Comment: This sequence change replaces serine, which is neutral and polar, with isoleucine, which is neutral and non-polar, at codon 597 of the BAP1 protein (p.Ser597Ile). This variant is present in population databases (rs556046793, gnomAD 0.007%). This variant has not been reported in the literature in individuals affected with BAP1-related conditions. ClinVar contains an entry for this variant (Variation ID: 629898). Invitae Evidence Modeling of protein sequence and biophysical properties (such as structural, functional, and spatial information, amino acid conservation, physicochemical variation, residue mobility, and thermodynamic stability) indicates that this missense variant is not expected to disrupt BAP1 protein function with a negative predictive value of 80%. In summary, the available evidence is currently insufficient to determine the role of this variant in disease. Therefore, it has been classified as a Variant of Uncertain Significance.

Ambry Genetics
Classification: Likely benign for Hereditary cancer-predisposing syndrome. Last evaluated: 2024-09-28. Review status: criteria provided, single submitter. Criteria: Ambry Variant Classification Scheme 2023. Collection method: clinical testing. Allele origin: germline.

Color Diagnostics, LLC DBA Color Health
Classification: Uncertain significance for Hereditary cancer-predisposing syndrome. Last evaluated: 2024-03-06. Review status: criteria provided, single submitter. Criteria: ACMG Guidelines, 2015. Collection method: clinical testing. Allele origin: germline.
Comment: This missense variant replaces serine with isoleucine at codon 597 of the BAP1 protein. Computational prediction suggests that this variant may not impact protein structure and function (internally defined REVEL score threshold <= 0.5, PMID: 27666373). To our knowledge, functional studies have not been reported for this variant. This variant has not been reported in individuals affected with hereditary cancer in the literature. This variant has been identified in 1/31390 chromosomes in the general population by the Genome Aggregation Database (gnomAD). The available evidence is insufficient to determine the role of this variant in disease conclusively. Therefore, this variant is classified as a Variant of Uncertain Significance.

GeneDx
Classification: Uncertain significance. Last evaluated: 2023-01-05. Review status: criteria provided, single submitter. Criteria: GeneDx Variant Classification Process June 2021. Collection method: clinical testing. Allele origin: germline. Affected: yes.
Comment: Not observed at significant frequency in large population cohorts (gnomAD); In silico analysis supports that this missense variant does not alter protein structure/function; Has not been previously published as pathogenic or benign to our knowledge

Institute for Clinical Genetics, University Hospital TU Dresden, University Hospital TU Dresden
Classification: Uncertain significance. Last evaluated: 2021-11-03. Review status: criteria provided, single submitter. Criteria: ACMG Guidelines, 2015. Collection method: clinical testing. Allele origin: germline.

NM_004656.4(BAP1):c.1790G>T (p.Ser597Ile)

Gene: BAP1 (BRCA1 associated deubiquitinase 1; minus strand). Cytogenetic location: 3p21.1.
Variant type: single nucleotide variant.
Coding change: c.1790G>T on transcript NM_004656.4 (MANE Select); coding-DNA position 1790, G replaced by T.
Protein change: p.Ser597Ile; replaces serine 597 with isoleucine.
Molecular consequence: missense variant.
Genome position (GRCh38, 1-based): chr3:52,403,238, C>A on the plus strand (G>T on the coding strand, the complement: BAP1 is on the minus strand). VCF-style: chr3-52403238-C-A. GRCh37 (hg19) VCF-style: chr3-52437254-C-A.
Other names: short protein forms S597I.
Identifiers: ClinVar variation 629898 (VCV000629898.14), dbSNP rs556046793, ClinGen allele CA74740377.